The following is an entry in ClinVar:

ClinVar aggregate classification (germline): Pathogenic. Review status: criteria provided, multiple submitters, no conflicts (2 of 4 stars). 2 submissions from 2 submitters: Pathogenic (2). Last evaluated 2024-08-28.

Conditions:
Familial adenomatous polyposis 1 (FAP1). Also called: FAMILIAL ADENOMATOUS POLYPOSIS 1, ATTENUATED; POLYPOSIS, ADENOMATOUS INTESTINAL. Identifiers: MedGen C2713442, MONDO:0021056, OMIM 175100. Disease mechanism: loss of function.
Classic or attenuated familial adenomatous polyposis. Identifiers: MedGen CN372698, MONDO:0021057.

Submissions (2):

Department of Pathology and Laboratory Medicine, Sinai Health System
Classification: Pathogenic for classic or attenuated familial adenomatous polyposis. Last evaluated: 2024-08-28. Review status: criteria provided, single submitter. Criteria: ACMG Guidelines, 2015. Collection method: clinical testing. Allele origin: germline.

Myriad Genetics, Inc.
Classification: Pathogenic for Familial adenomatous polyposis 1. Last evaluated: 2023-05-04. Review status: criteria provided, single submitter. Criteria: Myriad Autosomal Dominant, Autosomal Recessive and X-Linked Classification Criteria (2023). Collection method: clinical testing. Allele origin: unknown.
Comment: This variant is considered pathogenic. This variant creates a frameshift predicted to result in premature protein truncation.

NM_000038.6(APC):c.2547_2548del (p.Asp849fs)

Gene: APC (APC regulator of Wnt signaling pathway; plus strand). Cytogenetic location: 5q22.2.
Variant type: Deletion.
Coding change: c.2547_2548del on transcript NM_000038.6 (MANE Select); coding-DNA positions 2547 to 2548, 2 bases deleted (TA; older notation c.2547_2548delTA).
Protein change: p.Asp849fs; shifts the reading frame from aspartic acid 849.
Molecular consequence: frameshift variant. On other transcripts: non-coding transcript variant (2).
Genome position (GRCh38, 1-based): chr5:112,838,141-112,838,142, TA deleted; deleting any 2 consecutive bases within chr5:112,838,140-112,838,142 gives the same sequence; the c. name uses the placement nearest the transcript's 3' end. VCF-style (leftmost placement, unchanged base first): chr5-112838139-GAT-G. GRCh37 (hg19) VCF-style: chr5-112173836-GAT-G.
Other names: c.2547_2548del, p.Asp849fs (NM_001127510.3, NM_001354895.2, NM_001407450.1); c.2493_2494del, p.Asp831fs (NM_001127511.3); c.2601_2602del, p.Asp867fs (NM_001354896.2, NM_001407447.1, NM_001407448.1 and 1 more transcripts); c.2577_2578del, p.Asp859fs (NM_001354897.2); c.2472_2473del, p.Asp824fs (NM_001354898.2); c.2463_2464del, p.Asp821fs (NM_001354899.2); c.2424_2425del, p.Asp808fs (NM_001354900.2); c.2370_2371del, p.Asp790fs (NM_001354901.2, NM_001407453.1); and 11 more; short protein forms D465fs, D566fs, D689fs, D720fs, D723fs, D748fs, D758fs, D766fs.
Identifiers: ClinVar variation 2583867 (VCV002583867.2), dbSNP rs2533431242, ClinGen allele CA658760766.